The following is an entry in ClinVar:

ClinVar aggregate classification (germline): Benign (1 of 4 stars; one submission).

Allele frequency attached by ClinVar (database versions not stated): 1000 Genomes Project 0.15515; 1000 Genomes Project 30x 0.15896; TOPMed 0.16285.

Submission:

GeneDx
Classification: Benign. Last evaluated: 2018-06-14. Review status: criteria provided, single submitter. Criteria: GeneDx Variant Classification (06012015). Collection method: clinical testing. Allele origin: germline. Affected: yes.
Comment: This variant is considered likely benign or benign based on one or more of the following criteria: it is a conservative change, it occurs at a poorly conserved position in the protein, it is predicted to be benign by multiple in silico algorithms, and/or has population frequency not consistent with disease.

NM_001849.4(COL6A2):c.2462-204T>C

Gene: COL6A2 (collagen type VI alpha 2 chain; plus strand). Cytogenetic location: 21q22.3.
Variant type: single nucleotide variant.
Coding change: c.2462-204T>C on transcript NM_001849.4 (MANE Select); 204 bases into the intron before coding-DNA position 2462, T replaced by C.
Molecular consequence: intron variant.
Genome position (GRCh38, 1-based): chr21:46,131,750, T>C. VCF-style: chr21-46131750-T-C. GRCh37 (hg19) VCF-style: chr21-47551664-T-C.
Identifiers: ClinVar variation 679221 (VCV000679221.1), dbSNP rs2839122, ClinGen allele CA14881792.